The following is an entry in ClinVar:

ClinVar aggregate classification (germline): Uncertain significance (1 of 4 stars; one submission).

Submission:

CeGaT Center for Human Genetics Tuebingen
Classification: Uncertain significance. Last evaluated: 2022-11-01. Review status: criteria provided, single submitter. Criteria: CeGaT Center For Human Genetics Tuebingen Variant Classification Criteria Version 2. Collection method: clinical testing. Allele origin: germline. Affected: yes. Observed: 1 variant allele.
Comment: ATM: PM2, BP4

NM_000051.4(ATM):c.6406A>G (p.Arg2136Gly)

Genes: ATM (ATM serine/threonine kinase; plus strand), C11orf65 (chromosome 11 open reading frame 65; minus strand). Cytogenetic location: 11q22.3.
Variant type: single nucleotide variant.
Coding change: c.6406A>G on transcript NM_000051.4 (MANE Select); coding-DNA position 6406, A replaced by G.
Protein change: p.Arg2136Gly; replaces arginine 2136 with glycine.
Molecular consequence: missense variant. On other transcripts: intron variant (2).
Genome position (GRCh38, 1-based): chr11:108,320,012, A>G. VCF-style: chr11-108320012-A-G. GRCh37 (hg19) VCF-style: chr11-108190739-A-G.
Other names: c.*39-10941T>C (NM_001351110.2); c.6406A>G, p.Arg2136Gly (NM_001351834.2); c.641-10941T>C (NM_001330368.2); short protein forms R2136G.
Identifiers: ClinVar variation 2642360 (VCV002642360.22), dbSNP rs2547146849, ClinGen allele CA382553406.